The following is an entry in ClinVar:

NM_000501.4(ELN):c.1339G>A (p.Ala447Thr)

Gene: ELN (elastin; plus strand). Cytogenetic location: 7q11.23.
Variant type: single nucleotide variant.
Coding change: c.1339G>A on transcript NM_000501.4 (MANE Select); coding-DNA position 1339, G replaced by A.
Protein change: p.Ala447Thr; replaces alanine 447 with threonine.
Molecular consequence: missense variant.
Genome position (GRCh38, 1-based): chr7:74,056,695, G>A. VCF-style: chr7-74056695-G-A. GRCh37 (hg19) VCF-style: chr7-73471025-G-A.
Other names: c.1309G>A, p.Ala437Thr (NM_001081752.3, NM_001278917.2); c.1354G>A, p.Ala452Thr (NM_001081753.3, NM_001081754.3); c.1339G>A, p.Ala447Thr (NM_001081755.3, NM_001278912.2, NM_001278915.2 and 1 more transcripts); c.1153G>A, p.Ala385Thr (NM_001278913.2); c.1324G>A, p.Ala442Thr (NM_001278914.2); c.1297G>A, p.Ala433Thr (NM_001278916.2); c.1129G>A, p.Ala377Thr (NM_001278918.2); short protein forms A447T, A433T, A385T, A437T, A452T, A377T, A442T.
Identifiers: ClinVar variation 360654 (VCV000360654.17), dbSNP rs139335797, ClinGen allele CA4292950.

ClinVar aggregate classification (germline): Uncertain significance. Review status: criteria provided, multiple submitters, no conflicts (2 of 4 stars). 7 submissions from 5 submitters: Uncertain significance (5). 2 of the submissions do not count toward it. Last evaluated 2025-08-29.

Conditions:
ELN-related disorder.
Supravalvar aortic stenosis (SVAS). Also called: Supravalvar aortic stenosis, Eisenberg type. Identifiers: Orphanet 3193, MedGen C0003499, MONDO:0008504, OMIM 185500, HP:0004381.
Cutis laxa, autosomal dominant 1 (ADCL1). Also called: ELN-Related Cutis Laxa. Identifiers: Orphanet 90348, MedGen C3276539, MONDO:0007411, OMIM 123700. Disease mechanism: Dominant Negative.

Allele frequency attached by ClinVar (database versions not stated): gnomAD exomes 0.00006 and 0.00018; ExAC 0.00009; TOPMed 0.00011; gnomAD 0.00013; ESP Exome Variant Server 0.00023.
gnomAD v4.1: 278 of 1,613,644 alleles (0.017%); highest among the groups gnomAD compares: Non-Finnish European, 0.021%; 1 homozygote.

Submissions (7):

Labcorp Genetics (formerly Invitae), Labcorp
Classification: Uncertain significance for Supravalvar aortic stenosis. Last evaluated: 2025-08-29. Review status: criteria provided, single submitter. Criteria: Invitae Variant Classification Sherloc (09022015). Collection method: clinical testing. Allele origin: germline.
Comment: This sequence change replaces alanine, which is neutral and non-polar, with threonine, which is neutral and polar, at codon 447 of the ELN protein (p.Ala447Thr). This variant is present in population databases (rs139335797, gnomAD 0.01%). This variant has not been reported in the literature in individuals affected with ELN-related conditions. ClinVar contains an entry for this variant (Variation ID: 360654). Invitae Evidence Modeling of protein sequence and biophysical properties (such as structural, functional, and spatial information, amino acid conservation, physicochemical variation, residue mobility, and thermodynamic stability) indicates that this missense variant is not expected to disrupt ELN protein function with a negative predictive value of 80%. In summary, the available evidence is currently insufficient to determine the role of this variant in disease. Therefore, it has been classified as a Variant of Uncertain Significance.

PreventionGenetics, part of Exact Sciences
Classification: Uncertain significance for ELN-related condition. Last evaluated: 2023-08-09. Review status: criteria provided, single submitter. Criteria: ACMG Guidelines, 2015. Collection method: clinical testing. Allele origin: germline.
Comment: The ELN c.1339G>A variant is predicted to result in the amino acid substitution p.Ala447Thr. To our knowledge, this variant has not been reported in the literature. This variant is reported in 0.013% of alleles in individuals of South Asian descent in gnomAD, which may be too common to be a primary cause of disease. Although we suspect that this variant may be benign, at this time, the clinical significance of this variant is uncertain due to the absence of conclusive functional and genetic evidence.

GeneDx
Classification: Uncertain significance. Last evaluated: 2020-11-12. Review status: criteria provided, single submitter. Criteria: GeneDx Variant Classification Process June 2021. Collection method: clinical testing. Allele origin: germline. Affected: yes.
Comment: Has not been previously published as pathogenic or benign to our knowledge; In silico analysis supports that this missense variant does not alter protein structure/function

Illumina Laboratory Services, Illumina
Classification: Uncertain significance for Cutis laxa, autosomal dominant 1. Last evaluated: 2018-01-12. Review status: criteria provided, single submitter. Criteria: ICSL Variant Classification Criteria 13 December 2019. Collection method: clinical testing. Allele origin: germline.

Illumina Laboratory Services, Illumina
Classification: Uncertain significance for Supravalvar aortic stenosis. Last evaluated: 2018-01-12. Review status: criteria provided, single submitter. Criteria: ICSL Variant Classification Criteria 13 December 2019. Collection method: clinical testing. Allele origin: germline.

Department of Pathology and Laboratory Medicine, Sinai Health System
Classification: Uncertain significance. Review status: no assertion criteria provided. Collection method: clinical testing. Allele origin: unknown. Affected: yes. Study: The Canadian Open Genetics Repository (COGR). Not counted in ClinVar's aggregate classification.
Comment: The ELN p.Ala385Thr variant was not identified in the literature but was identified in dbSNP (ID: rs139335797), Clinvitae, LOVD 3.0, ClinVar (reported as a VUS for Cutis laxa, autosomal dominant and Supravalvar aortic stenosis by Illumina and reported as a VUS by GeneDx) and Cosmic (predicted pathogenic by FATHMM). The variant was identified in control databases in 18 of 281968 chromosomes at a frequency of 0.000064 (Genome Aggregation Database Feb 27, 2017). The variant was observed in the following populations: South Asian in 4 of 30612 chromosomes (freq: 0.000131), European (non-Finnish) in 12 of 128864 chromosomes (freq: 0.000093) and African in 2 of 24798 chromosomes (freq: 0.000081); it was not observed in the Latino, Ashkenazi Jewish, East Asian, European (Finnish), and Other populations. The p.Ala385 residue is not conserved in mammals and computational analyses (PolyPhen-2, SIFT, AlignGVGD, BLOSUM, MutationTaster) provide inconsistent predictions regarding the impact to the protein; this information is not very predictive of pathogenicity. In summary, based on the above information the clinical significance of this variant cannot be determined with certainty at this time. This variant is classified as a variant of uncertain significance.

GeneDx
Classification: Uncertain significance. Last evaluated: 2016-12-12. Review status: flagged submission. Criteria: GeneDx Variant Classification (06012015). Collection method: clinical testing. Allele origin: germline. Affected: yes. Not counted in ClinVar's aggregate classification.
Comment: A variant of uncertain significance has been identified in the ELN gene. The A447T variant has not been published as a pathogenic variant, nor has it been reported as a benign variant to our knowledge. The A447T variant was not observed with any significant frequency in approximately 6,500 individuals of European and African American ancestry in the NHLBI Exome Sequencing Project, indicating it is not a common benign variant in these populations. Furthermore, this substitution occurs at a position that is conserved in mammals and A447T is a non-conservative amino acid substitution, which is likely to impact secondary protein structure as these residues differ in polarity, charge, size and/or other properties. Nevertheless, in silico analysis is inconsistent in its predictions as to whether or not the variant is damaging to the protein structure/function.Therefore, based on the currently available information, it is unclear whether this variant is pathogenic or rare benign.
ClinVar note: Reason: This record appears to be redundant with a more recent record from the same submitter.
ClinVar note: Notes: SCV000492363 appears to be redundant with SCV001824355.